The following is an entry in ClinVar:

NM_001229.5(CASP9):c.24C>T (p.Leu8=)

Gene: CASP9 (caspase 9; minus strand). Cytogenetic location: 1p36.21.
Variant type: single nucleotide variant.
Coding change: c.24C>T on transcript NM_001229.5 (MANE Select); coding-DNA position 24, C replaced by T.
Protein change: p.Leu8=; no amino-acid change (leucine 8 retained).
Molecular consequence: synonymous variant. On other transcripts: non-coding transcript variant (2), intron variant (1).
Genome position (GRCh38, 1-based): chr1:15,524,177, G>A on the plus strand (C>T on the coding strand, the complement: CASP9 is on the minus strand). VCF-style: chr1-15524177-G-A. GRCh37 (hg19) VCF-style: chr1-15850672-G-A.
Other names: c.24C>T, p.Leu8= (NM_001278054.2); c.-118+406C>T (NM_032996.3).
Identifiers: ClinVar variation 3052276 (VCV003052276.2), dbSNP rs370730070, ClinGen allele CA614760.
Genomic context (GRCh38, chr1:15,524,177, plus strand): 5'-GGCGTCCCAGAGCTGGTCCACCTGCAGCTCTTCCACCAGCCGCAGCCGGCACCGCCGCAG[G>A]AGCCGCCGATCCGCTTCGTCCATGGCGAGTAGCCAACTAAGACTCCAGGCCGCCTCAGTC-3'
Protein context (NP_001220.2, residues 1-18): MDEADRR[Leu8=]LRRCRLRLVE

ClinVar aggregate classification (germline): Benign (0 of 4 stars; one submission).

Conditions:
CASP9-related disorder. Also called: CASP9-related condition.

Allele frequency attached by ClinVar (database versions not stated): ExAC 0.00050; ESP Exome Variant Server 0.00074; gnomAD 0.00314; TOPMed 0.00331; 1000 Genomes Project 30x 0.00359; 1000 Genomes Project 0.00399.
gnomAD v4.1: 857 of 1,543,706 alleles (0.056%); highest among the groups gnomAD compares: African/African-American, 1%; 4 homozygotes.

Submission:

PreventionGenetics, part of Exact Sciences
Classification: Benign for CASP9-related condition. Last evaluated: 2019-03-25. Review status: no assertion criteria provided. Collection method: clinical testing. Allele origin: germline.
Comment: This variant is classified as benign based on ACMG/AMP sequence variant interpretation guidelines (Richards et al. 2015 PMID: 25741868, with internal and published modifications).